The following is an entry in ClinVar:

NM_001035.3(RYR2):c.4544G>T (p.Ser1515Ile)

Gene: RYR2 (ryanodine receptor 2; plus strand). Cytogenetic location: 1q43.
Variant type: single nucleotide variant.
Coding change: c.4544G>T on transcript NM_001035.3 (MANE Select); coding-DNA position 4544, G replaced by T.
Protein change: p.Ser1515Ile; replaces serine 1515 with isoleucine.
Molecular consequence: missense variant.
Genome position (GRCh38, 1-based): chr1:237,595,605, G>T. VCF-style: chr1-237595605-G-T. GRCh37 (hg19) VCF-style: chr1-237758905-G-T.
Other names: short protein forms S1515I.
Identifiers: ClinVar variation 2774295 (VCV002774295.2), dbSNP rs1675806700, ClinGen allele CA345400598.

ClinVar aggregate classification (germline): Uncertain significance (1 of 4 stars; one submission).

Conditions:
Cardiomyopathy (CMYO). Also called: Cardiomyopathies. Identifiers: Orphanet 167848, MedGen C0878544, MONDO:0004994, HP:0001638. Inheritance: Various modes of inheritance.

Submission:

Color Diagnostics, LLC DBA Color Health
Classification: Uncertain significance for Cardiomyopathy. Last evaluated: 2023-12-21. Review status: criteria provided, single submitter. Criteria: ACMG Guidelines, 2015. Collection method: clinical testing. Allele origin: germline.
Comment: This missense variant replaces serine with isoleucine at codon 1515 of the RYR2 protein. Computational prediction suggests that this variant may not impact protein structure and function (internally defined REVEL score threshold <= 0.5, PMID: 27666373). To our knowledge, functional studies have not been reported for this variant. This variant has not been reported in individuals affected with RYR2-related disorders in the literature. This variant has not been identified in the general population by the Genome Aggregation Database (gnomAD). The available evidence is insufficient to determine the role of this variant in disease conclusively. Therefore, this variant is classified as a Variant of Uncertain Significance.